The following is an entry in ClinVar:

ClinVar aggregate classification (germline): Likely benign (0 of 4 stars; one submission).

Conditions:
ADCY10-related disorder. Also called: ADCY10-related condition.

Allele frequency attached by ClinVar (database versions not stated): gnomAD exomes below 0.00001; TOPMed below 0.00001.

Submission:

PreventionGenetics, part of Exact Sciences
Classification: Likely benign for ADCY10-related condition. Last evaluated: 2019-02-22. Review status: no assertion criteria provided. Collection method: clinical testing. Allele origin: germline.
Comment: This variant is classified as likely benign based on ACMG/AMP sequence variant interpretation guidelines (Richards et al. 2015 PMID: 25741868, with internal and published modifications).

NM_018417.6(ADCY10):c.1810-9T>G

Gene: ADCY10 (adenylate cyclase 10; minus strand). Cytogenetic location: 1q24.2.
Variant type: single nucleotide variant.
Coding change: c.1810-9T>G on transcript NM_018417.6 (MANE Select); 9 bases into the intron before coding-DNA position 1810, T replaced by G.
Molecular consequence: intron variant.
Genome position (GRCh38, 1-based): chr1:167,859,902, A>C on the plus strand (T>G on the coding strand, the complement: ADCY10 is on the minus strand). VCF-style: chr1-167859902-A-C. GRCh37 (hg19) VCF-style: chr1-167829140-A-C.
Other names: c.1351-9T>G (NM_001167749.3); c.1534-9T>G (NM_001297772.2).
Identifiers: ClinVar variation 3057889 (VCV003057889.2), dbSNP rs1666172191, ClinGen allele CA421700312.